The following is an entry in ClinVar:

ClinVar aggregate classification (germline): Pathogenic (1 of 4 stars; one submission).

Conditions:
Fanconi anemia (FA). Also called: Fanconi's anemia. Identifiers: Orphanet 84, MedGen C0015625, MeSH D005199, MONDO:0019391.

Allele frequency attached by ClinVar (database versions not stated): gnomAD exomes below 0.00001.
gnomAD v4.1: 1 of 1,613,402 alleles (0.000062%); highest among the groups gnomAD compares: Non-Finnish European, 0.000085%; no homozygotes.

Submission:

Labcorp Genetics (formerly Invitae), Labcorp
Classification: Pathogenic for Fanconi anemia. Last evaluated: 2025-06-01. Review status: criteria provided, single submitter. Criteria: Invitae Variant Classification Sherloc (09022015). Collection method: clinical testing. Allele origin: germline.
Comment: This sequence change creates a premature translational stop signal (p.Gln109*) in the FANCL gene. It is expected to result in an absent or disrupted protein product. Loss-of-function variants in FANCL are known to be pathogenic (PMID: 19405097, 23613520). This variant is not present in population databases (gnomAD no frequency). This variant has not been reported in the literature in individuals affected with FANCL-related conditions. ClinVar contains an entry for this variant (Variation ID: 2872904). For these reasons, this variant has been classified as Pathogenic.

Literature cited by the submitters: PubMed 19405097; PubMed 23613520.

NM_018062.4(FANCL):c.325C>T (p.Gln109Ter)

Gene: FANCL (FA complementation group L; minus strand). Cytogenetic location: 2p16.1.
Variant type: single nucleotide variant.
Coding change: c.325C>T on transcript NM_018062.4 (MANE Select); coding-DNA position 325, C replaced by T.
Protein change: p.Gln109Ter; replaces glutamine 109 with a stop codon.
Molecular consequence: nonsense.
Genome position (GRCh38, 1-based): chr2:58,221,991, G>A on the plus strand (C>T on the coding strand, the complement: FANCL is on the minus strand). VCF-style: chr2-58221991-G-A. GRCh37 (hg19) VCF-style: chr2-58449126-G-A.
Other names: c.325C>T, p.Gln109Ter (NM_001114636.2, NM_001374615.1, NM_001410792.1); short protein forms Q109*.
Identifiers: ClinVar variation 2872904 (VCV002872904.3), dbSNP rs2467426348, ClinGen allele CA347034477.